The following is an entry in ClinVar:

ClinVar aggregate classification (germline): Uncertain significance (1 of 4 stars; one submission).

Conditions:
Developmental and epileptic encephalopathy, 42 (DEE42A). Also called: DEVELOPMENTAL AND EPILEPTIC ENCEPHALOPATHY 42A; EPILEPTIC ENCEPHALOPATHY, EARLY INFANTILE, 42A; Epileptic encephalopathy, early infantile, 42. Identifiers: MedGen C4310716, MONDO:0014917, OMIM 617106.
Episodic ataxia type 2 (EA2). Also called: ACETAZOLAMIDE-RESPONSIVE HEREDITARY PAROXYSMAL CEREBELLAR ATAXIA; ATAXIA, EPISODIC, WITH NYSTAGMUS; ATAXIA, FAMILIAL PAROXYSMAL; CEREBELLAR ATAXIA, PAROXYSMAL, ACETAZOLAMIDE-RESPONSIVE; CEREBELLOPATHY, HEREDITARY PAROXYSMAL; EPISODIC ATAXIA, NYSTAGMUS-ASSOCIATED. Identifiers: Orphanet 97, MedGen C1720416, MONDO:0007163, OMIM 108500.

Submission:

Labcorp Genetics (formerly Invitae), Labcorp
Classification: Uncertain significance for Developmental and epileptic encephalopathy, 42; Episodic ataxia type 2. Last evaluated: 2023-12-21. Review status: criteria provided, single submitter. Criteria: Invitae Variant Classification Sherloc (09022015). Collection method: clinical testing. Allele origin: germline.
Comment: This sequence change falls in intron 27 of the CACNA1A gene. It does not directly change the encoded amino acid sequence of the CACNA1A protein. It affects a nucleotide within the consensus splice site. This variant is not present in population databases (gnomAD no frequency). This variant has not been reported in the literature in individuals affected with CACNA1A-related conditions. Variants that disrupt the consensus splice site are a relatively common cause of aberrant splicing (PMID: 17576681, 9536098). Algorithms developed to predict the effect of sequence changes on RNA splicing suggest that this variant is not likely to affect RNA splicing. In summary, the available evidence is currently insufficient to determine the role of this variant in disease. Therefore, it has been classified as a Variant of Uncertain Significance.

Literature cited by the submitters: PubMed 17576681; PubMed 9536098.

NM_001127222.2(CACNA1A):c.4388+3A>G

Gene: CACNA1A (calcium voltage-gated channel subunit alpha1 A; minus strand). Cytogenetic location: 19p13.13.
Variant type: single nucleotide variant.
Coding change: c.4388+3A>G on transcript NM_001127222.2 (MANE Select); 3 bases into the intron after coding-DNA position 4388, A replaced by G.
Molecular consequence: intron variant.
Genome position (GRCh38, 1-based): chr19:13,259,561, T>C on the plus strand (A>G on the coding strand, the complement: CACNA1A is on the minus strand). VCF-style: chr19-13259561-T-C. GRCh37 (hg19) VCF-style: chr19-13370375-T-C.
Other names: c.4391+3A>G (NM_001127221.2, NM_001174080.2); c.4400+3A>G (NM_000068.4, NM_023035.3).
Identifiers: ClinVar variation 2921618 (VCV002921618.3), dbSNP rs2512751229, ClinGen allele CA2740091936.
Genomic context (GRCh38, chr19:13,259,561, plus strand): 5'-AGGCCCTTTATCCTCCTGCTCCCCAGGGCTCCTCCTGGATAGATTTCCAGTCGGGCCACT[T>C]ACTGTGGCCAGCCTTCTCCCGTGGACACGGTGAAGAGGGTCAGCAGAGCCCACAGCACAT-3'